The following is an entry in ClinVar:

ClinVar aggregate classification (germline): Uncertain significance (1 of 4 stars; one submission).

Conditions:
Inborn genetic diseases. Identifiers: MedGen C0950123, MeSH D030342.

Submission:

Ambry Genetics
Classification: Uncertain significance for Inborn genetic diseases. Last evaluated: 2025-02-02. Review status: criteria provided, single submitter. Criteria: Ambry Variant Classification Scheme 2023. Collection method: clinical testing. Allele origin: germline.
Comment: The p.D421Y variant (also known as c.1261G>T), located in coding exon 11 of the ANKRD26 gene, results from a G to T substitution at nucleotide position 1261. The aspartic acid at codon 421 is replaced by tyrosine, an amino acid with highly dissimilar properties. This amino acid position is conserved. In addition, this alteration is predicted to be tolerated by in silico analysis. Based on the available evidence, the clinical significance of this variant remains unclear.

NM_014915.3(ANKRD26):c.1261G>T (p.Asp421Tyr)

Gene: ANKRD26 (ankyrin repeat domain containing 26; minus strand). Cytogenetic location: 10p12.1.
Variant type: single nucleotide variant.
Coding change: c.1261G>T on transcript NM_014915.3 (MANE Select); coding-DNA position 1261, G replaced by T.
Protein change: p.Asp421Tyr; replaces aspartic acid 421 with tyrosine.
Molecular consequence: missense variant.
Genome position (GRCh38, 1-based): chr10:27,066,495, C>A on the plus strand (G>T on the coding strand, the complement: ANKRD26 is on the minus strand). VCF-style: chr10-27066495-C-A. GRCh37 (hg19) VCF-style: chr10-27355424-C-A.
Other names: c.1261G>T, p.Asp421Tyr (NM_001256053.2); short protein forms D421Y.
Identifiers: ClinVar variation 3870918 (VCV003870918.1).
Genomic context (GRCh38, chr10:27,066,495, plus strand): 5'-ACATCACTCAATGCTTATATTTTAAAATAATAGTAACAACCATAGAAAGTACCTCAGAAT[C>A]CCAAGGTGATTCTATATCTTCCTCTTGTCCTAATCCTAATGCGGACATCATATCTATCAA-3'
Protein context (NP_055730.2, residues 411-431): GQEEDIESPW[Asp421Tyr]SESISENFPQ